The following is an entry in ClinVar:

NM_020911.2(PLXNA4):c.1612C>T (p.Arg538Trp)

Gene: PLXNA4 (plexin A4; minus strand). Cytogenetic location: 7q32.3.
Variant type: single nucleotide variant.
Coding change: c.1612C>T on transcript NM_020911.2 (MANE Select); coding-DNA position 1612, C replaced by T.
Protein change: p.Arg538Trp; replaces arginine 538 with tryptophan.
Molecular consequence: missense variant.
Genome position (GRCh38, 1-based): chr7:132,228,462, G>A on the plus strand (C>T on the coding strand, the complement: PLXNA4 is on the minus strand). VCF-style: chr7-132228462-G-A. GRCh37 (hg19) VCF-style: chr7-131913221-G-A.
Other names: c.1612C>T, p.Arg538Trp (NM_001393897.1); short protein forms R538W.
Identifiers: ClinVar variation 4977774 (VCV004977774.1).
Genomic context (GRCh38, chr7:132,228,462, plus strand): 5'-ACTGCTTCATCTCCGAGGCAAACCTGCGGGGCTCCTTGGACCGCTCACACCGCTCCTTCC[G>A]GGTGCAACTGGGAAGGACATACCCTCGAGTTACTCAGGAGATGGCCGCTTGGTCCAGGGA-3'
Protein context (NP_065962.1, residues 528-548): GWCVLHNTCT[Arg538Trp]KERCERSKEP

ClinVar aggregate classification (germline): Uncertain significance (1 of 4 stars; one submission).

Conditions:
PLXNA4-related disorder. Also called: PLXNA4-related condition.

Submission:

PreventionGenetics, part of Exact Sciences
Classification: Uncertain significance for PLXNA4-related condition. Last evaluated: 2026-08-21. Review status: criteria provided, single submitter. Criteria: ACMG Guidelines, 2015. Collection method: clinical testing. Allele origin: germline.
Comment: The PLXNA4 c.1612C>T variant is predicted to result in the amino acid substitution p.Arg538Trp. To our knowledge, this variant has not been reported in the literature. This variant is reported in 0.0033% of alleles in individuals of South Asian descent in gnomAD. At this time, the clinical significance of this variant is uncertain due to the absence of conclusive functional and genetic evidence.